The following is an entry in ClinVar:

ClinVar aggregate classification (germline): Uncertain significance (1 of 4 stars; one submission).

Submission:

Labcorp Genetics (formerly Invitae), Labcorp
Classification: Uncertain significance. Last evaluated: 2022-03-04. Review status: criteria provided, single submitter. Criteria: Invitae Variant Classification Sherloc (09022015). Collection method: clinical testing. Allele origin: germline.
Comment: Advanced modeling of protein sequence and biophysical properties (such as structural, functional, and spatial information, amino acid conservation, physicochemical variation, residue mobility, and thermodynamic stability) performed at Invitae indicates that this missense variant is not expected to disrupt FAT4 protein function. This variant has not been reported in the literature in individuals affected with FAT4-related conditions. In summary, the available evidence is currently insufficient to determine the role of this variant in disease. Therefore, it has been classified as a Variant of Uncertain Significance. This sequence change replaces isoleucine, which is neutral and non-polar, with leucine, which is neutral and non-polar, at codon 3419 of the FAT4 protein (p.Ile3419Leu). This variant is not present in population databases (gnomAD no frequency).

NM_001291303.3(FAT4):c.10261A>T (p.Ile3421Leu)

Gene: FAT4 (FAT atypical cadherin 4; plus strand). Cytogenetic location: 4q28.1.
Variant type: single nucleotide variant.
Coding change: c.10261A>T on transcript NM_001291303.3 (MANE Select); coding-DNA position 10261, A replaced by T.
Protein change: p.Ile3421Leu; replaces isoleucine 3421 with leucine.
Molecular consequence: missense variant.
Genome position (GRCh38, 1-based): chr4:125,451,271, A>T. VCF-style: chr4-125451271-A-T. GRCh37 (hg19) VCF-style: chr4-126372426-A-T.
Other names: c.10261A>T, p.Ile3421Leu (NM_001291285.3); c.10255A>T, p.Ile3419Leu (NM_024582.6); short protein forms I3421L, I3419L.
Identifiers: ClinVar variation 2104384 (VCV002104384.4), dbSNP rs1370064802, ClinGen allele CA358157943.